The following is an entry in ClinVar:

ClinVar aggregate classification (germline): Likely pathogenic. Review status: criteria provided, single submitter (1 of 4 stars). 2 submissions from 2 submitters: Likely pathogenic (1). 1 of the submissions does not count toward it. Last evaluated 2025-05-20.

Conditions:
Seizures, benign familial neonatal, 2. Also called: Benign Neonatal Epilepsy 2; CONVULSIONS, BENIGN FAMILIAL NEONATAL, 2; Seizures, benign neonatal, 2; KCNQ3-Related Self-Limited Familial Neonatal Epilepsy (SLFNE); KCNQ3-Related Benign Familial Neonatal Epilepsy. Identifiers: Orphanet 1949, MedGen C1852581, MONDO:0007366, OMIM 121201.

Submissions (2):

GeneDx
Classification: Likely pathogenic. Last evaluated: 2025-05-20. Review status: criteria provided, single submitter. Criteria: GeneDx Variant Classification Process June 2021. Collection method: clinical testing. Allele origin: germline. Affected: yes.
Comment: Published functional studies demonstrate a damaging effect where the p.(V279F) variant promotes a loss of potassium channel function (PMID: 27781029); In silico analysis supports that this missense variant has a deleterious effect on protein structure/function; In silico analysis suggests this variant may impact gene splicing. In the absence of RNA/functional studies, the actual effect of this sequence change is unknown.; Not observed at significant frequency in large population cohorts (gnomAD); This variant is associated with the following publications: (PMID: 27781029)

GeneReviews
No classification provided. Condition: Seizures, benign familial neonatal, 2. Review status: no classification provided. Collection method: literature only. Allele origin: germline. Not counted in ClinVar's aggregate classification.

Literature cited by the submitters: NCBI Bookshelf NBK201978 (cited by GeneReviews); PubMed 27781029 (cited by GeneReviews).

NM_004519.4(KCNQ3):c.835G>T (p.Val279Phe)

Gene: KCNQ3 (potassium voltage-gated channel subfamily Q member 3; minus strand). Cytogenetic location: 8q24.22.
Variant type: single nucleotide variant.
Coding change: c.835G>T on transcript NM_004519.4 (MANE Select); coding-DNA position 835, G replaced by T.
Protein change: p.Val279Phe; replaces valine 279 with phenylalanine.
Molecular consequence: missense variant.
Genome position (GRCh38, 1-based): chr8:132,175,551, C>A on the plus strand (G>T on the coding strand, the complement: KCNQ3 is on the minus strand). VCF-style: chr8-132175551-C-A. GRCh37 (hg19) VCF-style: chr8-133187798-C-A.
Other names: c.475G>T, p.Val159Phe (NM_001204824.2); short protein forms V159F, V279F.
Identifiers: ClinVar variation 1334438 (VCV001334438.3), dbSNP rs2130134022, ClinGen allele CA372290507.